The following is an entry in ClinVar:

NM_003383.5(VLDLR):c.*534T>C

Gene: VLDLR (very low density lipoprotein receptor; plus strand). Cytogenetic location: 9p24.2.
Variant type: single nucleotide variant.
Coding change: c.*534T>C on transcript NM_003383.5 (MANE Select); 534 bases downstream of the stop codon, T replaced by C.
Molecular consequence: 3 prime UTR variant.
Genome position (GRCh38, 1-based): chr9:2,654,402, T>C. VCF-style: chr9-2654402-T-C. GRCh37 (hg19) VCF-style: chr9-2654402-T-C.
Other names: c.*534T>C (NM_001018056.3, NM_001322225.2, NM_001322226.2).
Identifiers: ClinVar variation 912642 (VCV000912642.4), dbSNP rs10967349, ClinGen allele CA187963179.

ClinVar aggregate classification (germline): Likely benign (1 of 4 stars; one submission).

Conditions:
Cerebellar ataxia, impaired intellectual development, and dysequilibrium syndrome 1. Also called: Cerebellar ataxia, intellectual disability, and dysequilibrium syndrome 1; Cerebellar ataxia, mental retardation, and dysequilibrium syndrome 1; VLDLR Cerebellar Hypoplasia; Cerebellar hypoplasia and mental retardation with or without quadrupedal locomotion 1; CEREBELLAR ATAXIA AND MENTAL RETARDATION WITH OR WITHOUT QUADRUPEDAL LOCOMOTION 1; CEREBELLAR ATAXIA, CONGENITAL, AND MENTAL RETARDATION, AUTOSOMAL RECESSIVE. Identifiers: Orphanet 1766, MedGen C4551552, MONDO:0024542, OMIM 224050.

Allele frequency attached by ClinVar (database versions not stated): gnomAD 0.00619 and 0.00601; 1000 Genomes Project 30x 0.00344; 1000 Genomes Project 0.00319; gnomAD exomes 0.00540; TOPMed 0.00684.
gnomAD v4.1: 994 of 161,020 alleles (0.62%); highest among the groups gnomAD compares: Middle Eastern, 2.3%; 8 homozygotes.

Submission:

Illumina Laboratory Services, Illumina
Classification: Likely benign for Cerebellar ataxia, impaired intellectual development, and dysequilibrium syndrome 1. Last evaluated: 2018-01-13. Review status: criteria provided, single submitter. Criteria: ICSL Variant Classification Criteria 13 December 2019. Collection method: clinical testing. Allele origin: germline.
Comment: This variant was observed in the ICSL laboratory as part of a predisposition screen in an ostensibly healthy population. It had not been previously curated by ICSL or reported in the Human Gene Mutation Database (HGMD: prior to June 1st, 2018), and was therefore a candidate for classification through an automated scoring system. Utilizing variant allele frequency, disease prevalence and penetrance estimates, and inheritance mode, an automated score was calculated to assess if this variant is too frequent to cause the disease. Based on the score and internal cut-off values, a variant classified as likely benign is not then subjected to further curation. The score for this variant resulted in a classification of likely benign for this disease.